The following is an entry in ClinVar:

NM_201384.3(PLEC):c.2621C>G (p.Ala874Gly)

Gene: PLEC (plectin; minus strand). Cytogenetic location: 8q24.3.
Variant type: single nucleotide variant.
Coding change: c.2621C>G on transcript NM_201384.3 (MANE Select); coding-DNA position 2621, C replaced by G.
Protein change: p.Ala874Gly; replaces alanine 874 with glycine.
Molecular consequence: missense variant.
Genome position (GRCh38, 1-based): chr8:143,930,054, G>C on the plus strand (C>G on the coding strand, the complement: PLEC is on the minus strand). VCF-style: chr8-143930054-G-C. GRCh37 (hg19) VCF-style: chr8-145004222-G-C.
Other names: c.2702C>G, p.Ala901Gly (NM_000445.5); c.2579C>G, p.Ala860Gly (NM_201378.4); c.2555C>G, p.Ala852Gly (NM_201379.3); c.3032C>G, p.Ala1011Gly (NM_201380.4); c.2525C>G, p.Ala842Gly (NM_201381.3); c.2621C>G, p.Ala874Gly (NM_201382.4); c.2633C>G, p.Ala878Gly (NM_201383.3); c.2702C>G (NM_000445.3); short protein forms A1011G, A842G, A852G, A860G, A874G, A878G, A901G.
Identifiers: ClinVar variation 1063477 (VCV001063477.6), dbSNP rs988267661, ClinGen allele CA187619257.

ClinVar aggregate classification (germline): Uncertain significance. Review status: criteria provided, multiple submitters, no conflicts (2 of 4 stars). 2 submissions from 2 submitters: Uncertain significance (2). Last evaluated 2025-12-03.

Conditions:
Epidermolysis bullosa simplex with nail dystrophy (EBS5D). Identifiers: MedGen C4225309, MONDO:0014661, OMIM 616487.
Epidermolysis bullosa simplex 5C, with pyloric atresia (EBS5C). Also called: PLEC-Related Epidermolysis Bullosa with Pyloric Atresia; Epidermolysis bullosa simplex with pyloric atresia; PLEC1-Related Epidermolysis Bullosa with Pyloric Atresia. Identifiers: Orphanet 158684, MedGen C2677349, MONDO:0012807, OMIM 612138.
Epidermolysis bullosa simplex 5B, with muscular dystrophy (EBS5B). Also called: Epidermolysis bullosa simplex with muscular dystrophy; EPIDERMOLYSIS BULLOSA SIMPLEX AND LIMB-GIRDLE MUSCULAR DYSTROPHY. Identifiers: Orphanet 257, MedGen C2931072, MONDO:0009181, OMIM 226670.
Epidermolysis bullosa simplex, Ogna type (EBS5A). Also called: Pidermolysis bullosa simplex 5A, Ogna type; EPIDERMOLYSIS BULLOSA SIMPLEX 5A, OGNA TYPE. Identifiers: Orphanet 79401, MedGen C0432317, MONDO:0007555, OMIM 131950.
Autosomal recessive limb-girdle muscular dystrophy type 2Q (LGMDR17). Also called: MUSCULAR DYSTROPHY, LIMB-GIRDLE, AUTOSOMAL RECESSIVE 17. Identifiers: Orphanet 254361, MedGen C3150989, MONDO:0013390, OMIM 613723.
Inborn genetic diseases. Identifiers: MedGen C0950123, MeSH D030342.

Allele frequency attached by ClinVar (database versions not stated): gnomAD 0.00001; gnomAD exomes 0.00001 and 0.00004; TOPMed 0.00001.
gnomAD v4.1: 62 of 1,610,782 alleles (0.0038%); highest among the groups gnomAD compares: Non-Finnish European, 0.0051%; no homozygotes.

Submissions (2):

Ambry Genetics
Classification: Uncertain significance for Inborn genetic diseases. Last evaluated: 2025-12-03. Review status: criteria provided, single submitter. Criteria: Ambry Variant Classification Scheme 2023. Collection method: clinical testing. Allele origin: germline.

Labcorp Genetics (formerly Invitae), Labcorp
Classification: Uncertain significance for Autosomal recessive limb-girdle muscular dystrophy type 2Q; Epidermolysis bullosa simplex, Ogna type; Epidermolysis bullosa simplex with nail dystrophy; Epidermolysis bullosa simplex 5C, with pyloric atresia; Epidermolysis bullosa simplex 5B, with muscular dystrophy. Last evaluated: 2023-12-12. Review status: criteria provided, single submitter. Criteria: Invitae Variant Classification Sherloc (09022015). Collection method: clinical testing. Allele origin: germline.
Comment: This sequence change replaces alanine, which is neutral and non-polar, with glycine, which is neutral and non-polar, at codon 901 of the PLEC protein (p.Ala901Gly). This variant is present in population databases (no rsID available, gnomAD 0.002%). This variant has not been reported in the literature in individuals affected with PLEC-related conditions. ClinVar contains an entry for this variant (Variation ID: 1063477). Advanced modeling of protein sequence and biophysical properties (such as structural, functional, and spatial information, amino acid conservation, physicochemical variation, residue mobility, and thermodynamic stability) performed at Invitae indicates that this missense variant is not expected to disrupt PLEC protein function with a negative predictive value of 80%. In summary, the available evidence is currently insufficient to determine the role of this variant in disease. Therefore, it has been classified as a Variant of Uncertain Significance.